The following is an entry in ClinVar:

ClinVar aggregate classification (germline): Uncertain significance (1 of 4 stars; one submission).

Conditions:
Hereditary cancer-predisposing syndrome. Also called: Neoplastic Syndromes, Hereditary; Tumor predisposition; Hereditary Cancer Syndrome; Hereditary neoplastic syndrome. Identifiers: Orphanet 140162, MedGen C0027672, MeSH D009386, MONDO:0015356.

Submission:

Ambry Genetics
Classification: Uncertain significance for Hereditary cancer-predisposing syndrome. Last evaluated: 2026-02-13. Review status: criteria provided, single submitter. Criteria: Ambry Variant Classification Scheme 2023. Collection method: clinical testing. Allele origin: germline.
Comment: The p.R1394G variant (also known as c.4180C>G), located in coding exon 23 of the PTCH1 gene, results from a C to G substitution at nucleotide position 4180. The arginine at codon 1394 is replaced by glycine, an amino acid with dissimilar properties. This amino acid position is well conserved in available vertebrate species. In addition, the in silico prediction for this alteration is inconclusive. Based on the available evidence, the clinical significance of this variant remains unclear.

NM_000264.5(PTCH1):c.4180C>G (p.Arg1394Gly)

Gene: PTCH1 (patched 1; minus strand). Cytogenetic location: 9q22.32.
Variant type: single nucleotide variant.
Coding change: c.4180C>G on transcript NM_000264.5 (MANE Select); coding-DNA position 4180, C replaced by G.
Protein change: p.Arg1394Gly; replaces arginine 1394 with glycine.
Molecular consequence: missense variant. On other transcripts: non-coding transcript variant (1).
Genome position (GRCh38, 1-based): chr9:95,447,076, G>C on the plus strand (C>G on the coding strand, the complement: PTCH1 is on the minus strand). VCF-style: chr9-95447076-G-C. GRCh37 (hg19) VCF-style: chr9-98209358-G-C.
Other names: c.3982C>G, p.Arg1328Gly (NM_001083602.3); c.4177C>G, p.Arg1393Gly (NM_001083603.3); c.3727C>G, p.Arg1243Gly (NM_001083604.3, NM_001083605.3, NM_001083606.3 and 1 more transcripts); c.4024C>G, p.Arg1342Gly (NM_001354918.2); short protein forms R1243G, R1342G, R1394G, R1328G, R1393G.
Identifiers: ClinVar variation 4845080 (VCV004845080.1).